The following is an entry in ClinVar:

NM_000057.4(BLM):c.3600dup (p.Gln1201fs)

Gene: BLM (BLM RecQ like helicase; plus strand). Cytogenetic location: 15q26.1.
Variant type: Duplication.
Coding change: c.3600dup on transcript NM_000057.4 (MANE Select); coding-DNA position 3600, one base duplicated (A; older notation c.3600dupA).
Protein change: p.Gln1201fs; shifts the reading frame from glutamine 1201.
Molecular consequence: frameshift variant. On other transcripts: intron variant (1).
Genome position (GRCh38, 1-based): chr15:90,804,208, A duplicated; the last of 6 consecutive A bases (chr15:90,804,203-90,804,208); duplicating any one gives the same sequence. VCF-style (leftmost placement, unchanged base first): chr15-90804202-G-GA. GRCh37 (hg19) VCF-style: chr15-91347432-G-GA.
Other names: c.3600dup, p.Gln1201fs (NM_001287246.2); c.2475dup, p.Gln826fs (NM_001287248.2); c.3359-4929dup (NM_001287247.2); short protein forms Q1201fs, Q826fs.
Identifiers: ClinVar variation 5042259 (VCV005042259.1).

ClinVar aggregate classification (germline): Pathogenic (1 of 4 stars; one submission).

Conditions:
Bloom syndrome (BLM). Also called: Bloom-Torre-Machacek syndrome. Identifiers: Orphanet 125, MedGen C0005859, MONDO:0008876, OMIM 210900.

Submission:

Myriad Genetics, Inc.
Classification: Pathogenic for Bloom syndrome. Last evaluated: 2026-08-24. Review status: criteria provided, single submitter. Criteria: Myriad Autosomal Dominant, Autosomal Recessive and X-Linked Classification Criteria (2023). Collection method: clinical testing. Allele origin: unknown.
Comment: This variant is considered pathogenic. This variant creates a frameshift predicted to result in premature protein truncation.